The following is an entry in ClinVar:

NM_000135.4(FANCA):c.2533_2536del (p.Leu845fs)

Gene: FANCA (FA complementation group A; minus strand). Cytogenetic location: 16q24.3.
Variant type: Microsatellite.
Coding change: c.2533_2536del on transcript NM_000135.4 (MANE Select); coding-DNA positions 2533 to 2536, 4 bases deleted (CTCT; older notation c.2533_2536delCTCT).
Protein change: p.Leu845fs; shifts the reading frame from leucine 845.
Molecular consequence: frameshift variant.
Genome position (GRCh38, 1-based): chr16:89,767,206-89,767,209, AGAG deleted on the plus strand (CTCT on the coding strand, the reverse complement: FANCA is on the minus strand); deleting any 4 consecutive bases within chr16:89,767,206-89,767,213 gives the same sequence; the c. name uses the placement nearest the transcript's 3' end. VCF-style (leftmost placement, unchanged base first): chr16-89767205-CAGAG-C. GRCh37 (hg19) VCF-style: chr16-89833613-CAGAG-C.
Other names: c.2533_2536del (NM_000135.2); c.2533_2536del, p.Leu845fs (NM_001286167.3); short protein forms L845fs.
Identifiers: ClinVar variation 623181 (VCV000623181.3), dbSNP rs763378933, ClinGen allele CA913190615.
Genomic context (GRCh38, chr16:89,767,205, plus strand): 5'-TTAATAAGGCCTGGAGATAAGCAGCTGCACAAAGTATCTCGTGACTGGGAAGAAAACTTG[CAGAG>C]AGAGTAAGAAATTGCTGCTGTACAAAATCTGAAAACAGAAATTATAACATATAAATGTAA-3'

ClinVar aggregate classification (germline): Pathogenic. Review status: criteria provided, single submitter (1 of 4 stars). 2 submissions from 2 submitters: Pathogenic (1). 1 of the submissions does not count toward it. Last evaluated 2018-10-03.

Conditions:
Fanconi anemia complementation group A (FANCA). Also called: Fanconi anemia, group A; FANCA-Related Fanconi Anemia. Identifiers: Orphanet 84, MedGen C3469521, MONDO:0009215, OMIM 227650.

Submissions (2):

Molecular Diagnostics Laboratory, M Health Fairview: University of Minnesota
Classification: Pathogenic for Fanconi anemia complementation group A. Last evaluated: 2018-10-03. Review status: criteria provided, single submitter. Criteria: ACMG Guidelines, 2015. Collection method: clinical testing. Allele origin: germline. Affected: yes. Observed: 1 variant allele.

Leiden Open Variation Database
Classification: Pathogenic for Fanconi anemia complementation group A. Last evaluated: 2020-02-28. Review status: no assertion criteria provided. Collection method: curation. Allele origin: germline. Affected: yes. Not counted in ClinVar's aggregate classification.
Comment: Curator: Arleen D. Auerbach. Submitter to LOVD: Arleen D. Auerbach.